The following is an entry in ClinVar:

ClinVar aggregate classification (germline): Uncertain significance (0 of 4 stars; one submission).

Conditions:
TET3-related disorder. Also called: TET3-related condition; TET3-Related Disease.

Submission:

PreventionGenetics, part of Exact Sciences
Classification: Uncertain significance for TET3-related condition. Last evaluated: 2024-06-23. Review status: no assertion criteria provided. Collection method: clinical testing. Allele origin: germline.
Comment: The TET3 c.4781G>C variant is predicted to result in the amino acid substitution p.Gly1594Ala. To our knowledge, this variant has not been reported in the literature or in a large population database, indicating this variant is rare. At this time, the clinical significance of this variant is uncertain due to the absence of conclusive functional and genetic evidence.

NM_001287491.2(TET3):c.4781G>C (p.Gly1594Ala)

Gene: TET3 (tet methylcytosine dioxygenase 3; plus strand). Cytogenetic location: 2p13.1.
Variant type: single nucleotide variant.
Coding change: c.4781G>C on transcript NM_001287491.2 (MANE Select); coding-DNA position 4781, G replaced by C.
Protein change: p.Gly1594Ala; replaces glycine 1594 with alanine.
Molecular consequence: missense variant.
Genome position (GRCh38, 1-based): chr2:74,101,569, G>C. VCF-style: chr2-74101569-G-C. GRCh37 (hg19) VCF-style: chr2-74328696-G-C.
Other names: c.4502G>C, p.Gly1501Ala (NM_001366022.1); short protein forms G1501A, G1594A.
Identifiers: ClinVar variation 3349948 (VCV003349948.1).